The following is an entry in ClinVar:

NM_014000.3(VCL):c.3250T>C (p.Ser1084Pro)

Gene: VCL (vinculin; plus strand). Cytogenetic location: 10q22.2.
Variant type: single nucleotide variant.
Coding change: c.3250T>C on transcript NM_014000.3 (MANE Select); coding-DNA position 3250, T replaced by C.
Protein change: p.Ser1084Pro; replaces serine 1084 with proline.
Molecular consequence: missense variant.
Genome position (GRCh38, 1-based): chr10:74,114,891, T>C. VCF-style: chr10-74114891-T-C. GRCh37 (hg19) VCF-style: chr10-75874649-T-C.
Other names: c.3046T>C, p.Ser1016Pro (NM_003373.4); short protein forms S1016P, S1084P.
Identifiers: ClinVar variation 1729421 (VCV001729421.6), dbSNP rs1197638416, ClinGen allele CA377267666.

ClinVar aggregate classification (germline): Uncertain significance. Review status: criteria provided, multiple submitters, no conflicts (2 of 4 stars). 3 submissions from 3 submitters: Uncertain significance (3). Last evaluated 2022-11-11.

Conditions:
Cardiovascular phenotype. Identifiers: MedGen CN230736.
Dilated cardiomyopathy 1W (CMD1W). Identifiers: Orphanet 154, MedGen C1969639, MONDO:0012667, OMIM 611407.

gnomAD v4.1: 8 of 1,590,546 alleles (0.0005%); highest among the groups gnomAD compares: Non-Finnish European, 0.00068%; no homozygotes.

Submissions (3):

Labcorp Genetics (formerly Invitae), Labcorp
Classification: Uncertain significance for Dilated cardiomyopathy 1W. Last evaluated: 2022-11-11. Review status: criteria provided, single submitter. Criteria: Invitae Variant Classification Sherloc (09022015). Collection method: clinical testing. Allele origin: germline.
Comment: In summary, the available evidence is currently insufficient to determine the role of this variant in disease. Therefore, it has been classified as a Variant of Uncertain Significance. Algorithms developed to predict the effect of missense changes on protein structure and function are either unavailable or do not agree on the potential impact of this missense change (SIFT: "Not Available"; PolyPhen-2: "Probably Damaging"; Align-GVGD: "Not Available"). This variant has not been reported in the literature in individuals affected with VCL-related conditions. This variant is present in population databases (no rsID available, gnomAD 0.001%). This sequence change replaces serine, which is neutral and polar, with proline, which is neutral and non-polar, at codon 1084 of the VCL protein (p.Ser1084Pro).

Ambry Genetics
Classification: Uncertain significance for Cardiovascular phenotype. Last evaluated: 2022-09-05. Review status: criteria provided, single submitter. Criteria: Ambry Variant Classification Scheme 2023. Collection method: clinical testing. Allele origin: germline.
Comment: The p.S1084P variant (also known as c.3250T>C), located in coding exon 21 of the VCL gene, results from a T to C substitution at nucleotide position 3250. The serine at codon 1084 is replaced by proline, an amino acid with similar properties. This amino acid position is conserved. In addition, the in silico prediction for this alteration is inconclusive. Since supporting evidence is limited at this time, the clinical significance of this alteration remains unclear.

Victorian Clinical Genetics Services, Murdoch Childrens Research Institute
Classification: Uncertain significance for Dilated cardiomyopathy 1W. Last evaluated: 2022-02-02. Review status: criteria provided, single submitter. Criteria: ACMG Guidelines, 2015. Collection method: clinical testing. Allele origin: germline. Inheritance: Autosomal dominant inheritance. Affected: yes.
Comment: Based on the classification scheme VCGS_Germline_v1.3.4, this variant is classified as VUS-3B. Following criteria are met: 0105 - The mechanism of disease for this gene is not clearly established. However, null variants have been reported in patients and therefore loss-of-function is speculated (PMID: 32516855). (I) 0107 - This gene is associated with autosomal dominant disease. (I) 0112 - The condition associated with this gene has incomplete penetrance. Asymptomatic carriers have been reported in families with null variants (PMID: 32516855). (I) 0200 - Variant is predicted to result in a missense amino acid change from serine to proline. (I) 0251 - This variant is heterozygous. (I) 0302 - Variant is present in gnomAD (v2) <0.001 for a dominant condition (1 heterozygote, 0 hmozygotes). (SP) 0309 - An alternative amino acid change at the same position has been observed in gnomAD (v2) (1 heterozygote, 0 homozygotes). (I) 0502 - Missense variant with conflicting in silico predictions and uninformative conservation. (I) 0603 - Missense variant in a region that is highly intolerant to missense variation (high constraint region in DECIPHER). (SP) 0705 - No comparable missense variants have previous evidence for pathogenicity. (I) 0807 - This variant has no previous evidence of pathogenicity. (I) 0905 - No published segregation evidence has been identified for this variant. (I) 1007 - No published functional evidence has been identified for this variant. (I) 1208 - Inheritance information for this variant is not currently available in this individual. (I) Legend: (SP) - Supporting pathogenic, (I) - Information, (SB) - Supporting benign

Literature cited by the submitters: PubMed 32516855 (cited by Victorian Clinical Genetics Services, Murdoch Childrens Research Institute).